The following is an entry in ClinVar:

NM_006147.4(IRF6):c.1314_1324del (p.Gln438fs)

Gene: IRF6 (interferon regulatory factor 6; minus strand). Cytogenetic location: 1q32.2.
Variant type: Deletion.
Coding change: c.1314_1324del on transcript NM_006147.4 (MANE Select); coding-DNA positions 1314 to 1324, 11 bases deleted (GCTGTACCGCA).
Protein change: p.Gln438fs; shifts the reading frame from glutamine 438.
Molecular consequence: frameshift variant.
Genome position (GRCh38, 1-based): chr1:209,788,500-209,788,510, TGCGGTACAGC deleted on the plus strand (GCTGTACCGCA on the coding strand, the reverse complement: IRF6 is on the minus strand); deleting any 11 consecutive bases within chr1:209,788,500-209,788,513 gives the same sequence; the c. name uses the placement nearest the transcript's 3' end. VCF-style (leftmost placement, unchanged base first): chr1-209788499-ATGCGGTACAGC-A. GRCh37 (hg19) VCF-style: chr1-209961844-ATGCGGTACAGC-A.
Other names: c.1314_1324del (NM_006147.3); c.1029_1039del, p.Gln343fs (NM_001206696.2); short protein forms Q343fs, Q438fs.
Identifiers: ClinVar variation 583293 (VCV000583293.12), dbSNP rs1558038218, ClinGen allele CA891842997.

ClinVar aggregate classification (germline): Pathogenic (1 of 4 stars; one submission).

Conditions:
Orofacial cleft 6, susceptibility to (OFC6). Also called: CLEFT LIP WITH OR WITHOUT CLEFT PALATE, NONSYNDROMIC, 6. Identifiers: MedGen C1837213, MONDO:0012141, OMIM 608864.
Van der Woude syndrome. Identifiers: Orphanet 888, MedGen C0175697, MONDO:0019508.
Popliteal pterygium syndrome (PPS). Identifiers: Orphanet 294963, MedGen C0265259, MONDO:0017435.

Submission:

Labcorp Genetics (formerly Invitae), Labcorp
Classification: Pathogenic for Orofacial cleft 6, susceptibility to; Van der Woude syndrome; Popliteal pterygium syndrome. Last evaluated: 2019-05-23. Review status: criteria provided, single submitter. Criteria: Invitae Variant Classification Sherloc (09022015). Collection method: clinical testing. Allele origin: germline.
Comment: For these reasons, this variant has been classified as Pathogenic. This variant results in an extension of the IRF6 protein. Other variant(s) that result in a similarly extended protein product (p.Ser457Glnfs*46, p.Met458Asnfs*45, and p.Ala463Serfs*40) have been observed in individuals with IRF6-related conditions (PMID: 19282774). These variants are also known as p.Ser457GlnfsX43, p.Met458AsnfsX43, and Pro462_Ala463ArgfsX38, respectively, in the literature. This suggests that these extensions may be clinically significant. This variant has been observed to segregate with clinical features of van der Woude syndrome in a family (Invitae). This variant is not present in population databases (ExAC no frequency). This sequence change results in a frameshift in the IRF6 gene (p.Gln438Hisfs*61). While this is not anticipated to result in nonsense mediated decay, it is expected to disrupt the last 29 amino acids of the IRF6 protein and extend the protein by an additional 32 amino acids.

Literature cited by the submitters: PubMed 19282774.